The following is an entry in ClinVar:

ClinVar aggregate classification (germline): Uncertain significance (1 of 4 stars; one submission).

Allele frequency attached by ClinVar (database versions not stated): gnomAD exomes below 0.00001.
gnomAD v4.1: 1 of 1,613,920 alleles (0.000062%); highest among the groups gnomAD compares: Admixed American, 0.0017%; no homozygotes.

Submission:

Labcorp Genetics (formerly Invitae), Labcorp
Classification: Uncertain significance. Last evaluated: 2024-12-09. Review status: criteria provided, single submitter. Criteria: Invitae Variant Classification Sherloc (09022015). Collection method: clinical testing. Allele origin: germline.
Comment: This sequence change replaces histidine, which is basic and polar, with aspartic acid, which is acidic and polar, at codon 442 of the RPS6KC1 protein (p.His442Asp). This variant is not present in population databases (gnomAD no frequency). This variant has not been reported in the literature in individuals affected with RPS6KC1-related conditions. ClinVar contains an entry for this variant (Variation ID: 2090760). An algorithm developed to predict the effect of missense changes on protein structure and function (PolyPhen-2) suggests that this variant is likely to be tolerated. In summary, the available evidence is currently insufficient to determine the role of this variant in disease. Therefore, it has been classified as a Variant of Uncertain Significance.

NM_012424.6(RPS6KC1):c.1324C>G (p.His442Asp)

Gene: RPS6KC1 (ribosomal protein S6 kinase C1; plus strand). Cytogenetic location: 1q32.3.
Variant type: single nucleotide variant.
Coding change: c.1324C>G on transcript NM_012424.6 (MANE Select); coding-DNA position 1324, C replaced by G.
Protein change: p.His442Asp; replaces histidine 442 with aspartic acid.
Molecular consequence: missense variant. On other transcripts: 5 prime UTR variant (11), non-coding transcript variant (4).
Genome position (GRCh38, 1-based): chr1:213,240,800, C>G. VCF-style: chr1-213240800-C-G. GRCh37 (hg19) VCF-style: chr1-213414143-C-G.
Other names: c.688C>G, p.His230Asp (NM_001349654.2, NM_001287218.3, NM_001287219.3); c.433C>G, p.His145Asp (NM_001349657.2, NM_001349658.2); c.268C>G, p.His90Asp (NM_001349659.2, NM_001349660.2, NM_001349661.2 and 1 more transcripts); c.-72C>G (NM_001349663.2, NM_001349664.2, NM_001349665.2 and 8 more transcripts); c.1288C>G, p.His430Asp (NM_001136138.4); c.781C>G, p.His261Asp (NM_001287221.3, NM_001349648.2, NM_001349649.2 and 4 more transcripts); c.1231C>G, p.His411Asp (NM_001349646.2); c.961C>G, p.His321Asp (NM_001349647.2); short protein forms H230D, H261D, H430D, H145D, H321D, H411D, H90D, H442D.
Identifiers: ClinVar variation 2090760 (VCV002090760.4), dbSNP rs2547609216, ClinGen allele CA344889335.